The following is an entry in ClinVar:

ClinVar aggregate classification (germline): Pathogenic/Likely pathogenic. Review status: criteria provided, multiple submitters, no conflicts (2 of 4 stars). 4 submissions from 4 submitters: Pathogenic (1); Likely pathogenic (1). 2 of the submissions do not count toward it. Last evaluated 2025-07-28.

Conditions:
PIBF1-related disorder. Also called: PIBF1-related condition.
Joubert syndrome 33. Identifiers: MedGen C4540389, MONDO:0033311, OMIM 617767.

Allele frequency attached by ClinVar (database versions not stated): gnomAD 0.00001; gnomAD exomes 0.00001; TOPMed 0.00001.
gnomAD v4.1: 14 of 1,610,290 alleles (0.00087%); highest among the groups gnomAD compares: Non-Finnish European, 0.0012%; no homozygotes.

Submissions (4):

Dasa
Classification: Likely pathogenic. Last evaluated: 2025-07-28. Review status: criteria provided, single submitter. Criteria: DASA Assertion Criteria. Collection method: clinical testing. Allele origin: germline.
Comment: NM_006346.4(PIBF1):c.1910A>C (p.Asp637Ala) is a missense variant that results in the substitution of aspartic acid with alanine. Segregation data support an association with disease in the reported family/families (PMID: 26167768). This variant has been reported in individuals with PIBF1-related disorders (PMID: 26167768). Functional evidence supports an impact on the gene or gene product. Also, this variant is rare in population databases. Based on the currently available evidence, this variant is classified as likely pathogenic.

Blueprint Genetics
Classification: Pathogenic for PIBF1-related disorders. Last evaluated: 2024-09-12. Review status: criteria provided, single submitter. Criteria: ACMG Guidelines, 2015. Collection method: clinical testing. Allele origin: germline. Affected: yes. Observed: 4 variant alleles.

PreventionGenetics, part of Exact Sciences
Classification: Pathogenic for PIBF1-related condition. Last evaluated: 2024-05-30. Review status: no assertion criteria provided. Collection method: clinical testing. Allele origin: germline. Not counted in ClinVar's aggregate classification.
Comment: The PIBF1 c.1910A>C variant is predicted to result in the amino acid substitution p.Asp637Ala. This variant was reported in the homozygous state in two brothers with Joubert syndrome lacking other known pathogenic variants, and was found to decrease normal protein function (Wheway et al. 2015. PubMed ID: 26167768). This variant is reported in 0.0018% of alleles in individuals of European (Non-Finnish) descent in gnomAD. This variant is interpreted as pathogenic.

OMIM
Classification: Pathogenic for JOUBERT SYNDROME 33. Last evaluated: 2015-08-01. Review status: no assertion criteria provided. Collection method: literature only. Allele origin: germline. Not counted in ClinVar's aggregate classification.

Literature cited by the submitters: PubMed 26167768 (cited by Dasa and OMIM).

NM_006346.4(PIBF1):c.1910A>C (p.Asp637Ala)

Gene: PIBF1 (progesterone immunomodulatory binding factor 1; plus strand). Cytogenetic location: 13q22.1.
Variant type: single nucleotide variant.
Coding change: c.1910A>C on transcript NM_006346.4 (MANE Select); coding-DNA position 1910, A replaced by C.
Protein change: p.Asp637Ala; replaces aspartic acid 637 with alanine.
Molecular consequence: missense variant. On other transcripts: non-coding transcript variant (2).
Genome position (GRCh38, 1-based): chr13:72,965,350, A>C. VCF-style: chr13-72965350-A-C. GRCh37 (hg19) VCF-style: chr13-73539488-A-C.
Other names: c.1997A>C, p.Asp666Ala (NM_001349655.2); short protein forms D637A, D666A.
Identifiers: ClinVar variation 446198 (VCV000446198.5), dbSNP rs987735817, ClinGen allele CA252588736.
Genomic context (GRCh38, chr13:72,965,350, plus strand): 5'-CGCTATTAAACCAGACTCAACAGCCTTACAGGTATCTCATTGAATCAGTGCGTCAGAGAG[A>C]TTCTAAGATTGATTCACTGACGGAATCTATTGCACAACTTGAGAAAGATGTCAGGTAAAC-3'
Protein context (NP_006337.2, residues 627-647): RYLIESVRQR[Asp637Ala]SKIDSLTESI